The following is an entry in ClinVar:

ClinVar aggregate classification (germline): Uncertain significance (1 of 4 stars; one submission).

Conditions:
Dyskeratosis congenita, autosomal dominant 2. Identifiers: MedGen C3151443, MONDO:0013521, OMIM 613989.
Idiopathic Pulmonary Fibrosis. Also called: Idiopathic fibrosing alveolitis, chronic form; idiopathic fibrosing alveolitis. Identifiers: Orphanet 2032, MedGen C1800706, MeSH D054990, MONDO:0800504.

Submission:

Labcorp Genetics (formerly Invitae), Labcorp
Classification: Uncertain significance for Dyskeratosis congenita, autosomal dominant 2; Idiopathic Pulmonary Fibrosis. Last evaluated: 2022-10-27. Review status: criteria provided, single submitter. Criteria: Invitae Variant Classification Sherloc (09022015). Collection method: clinical testing. Allele origin: germline.
Comment: This sequence change replaces asparagine, which is neutral and polar, with lysine, which is basic and polar, at codon 969 of the TERT protein (p.Asn969Lys). This variant is not present in population databases (gnomAD no frequency). This variant has not been reported in the literature in individuals affected with TERT-related conditions. Algorithms developed to predict the effect of missense changes on protein structure and function (SIFT, PolyPhen-2, Align-GVGD) all suggest that this variant is likely to be tolerated. In summary, the available evidence is currently insufficient to determine the role of this variant in disease. Therefore, it has been classified as a Variant of Uncertain Significance.

NM_198253.3(TERT):c.2907C>G (p.Asn969Lys)

Gene: TERT (telomerase reverse transcriptase; minus strand). Cytogenetic location: 5p15.33.
Variant type: single nucleotide variant.
Coding change: c.2907C>G on transcript NM_198253.3 (MANE Select); coding-DNA position 2907, C replaced by G.
Protein change: p.Asn969Lys; replaces asparagine 969 with lysine.
Molecular consequence: missense variant. On other transcripts: non-coding transcript variant (2).
Genome position (GRCh38, 1-based): chr5:1,260,537, G>C on the plus strand (C>G on the coding strand, the complement: TERT is on the minus strand). VCF-style: chr5-1260537-G-C. GRCh37 (hg19) VCF-style: chr5-1260652-G-C.
Other names: c.2718C>G, p.Asn906Lys (NM_001193376.3); c.2907C>G, p.Asn969Lys (NM_003219.1); short protein forms N906K, N969K.
Identifiers: ClinVar variation 2941055 (VCV002941055.3), dbSNP rs2478129866, ClinGen allele CA359070012.